The following is an entry in ClinVar:

ClinVar aggregate classification (germline): Uncertain significance (1 of 4 stars; one submission).

Conditions:
Familial thoracic aortic aneurysm and aortic dissection (TAAD). Also called: Thoracic aortic aneurysms and dissections. Identifiers: Orphanet 91387, MedGen C4707243, MONDO:0019625.

Submission:

Ambry Genetics
Classification: Uncertain significance for Familial thoracic aortic aneurysm and aortic dissection. Last evaluated: 2025-05-24. Review status: criteria provided, single submitter. Criteria: Ambry Variant Classification Scheme 2023. Collection method: clinical testing. Allele origin: germline.
Comment: The p.G2155A variant (also known as c.6464G>C), located in coding exon 34 of the NOTCH1 gene, results from a G to C substitution at nucleotide position 6464. The glycine at codon 2155 is replaced by alanine, an amino acid with similar properties. This amino acid position is conserved. In addition, the in silico prediction for this alteration is inconclusive. Based on the available evidence, the clinical significance of this variant remains unclear.

NM_017617.5(NOTCH1):c.6464G>C (p.Gly2155Ala)

Gene: NOTCH1 (notch receptor 1; minus strand). Cytogenetic location: 9q34.3.
Variant type: single nucleotide variant.
Coding change: c.6464G>C on transcript NM_017617.5 (MANE Select); coding-DNA position 6464, G replaced by C.
Protein change: p.Gly2155Ala; replaces glycine 2155 with alanine.
Molecular consequence: missense variant.
Genome position (GRCh38, 1-based): chr9:136,497,275, C>G on the plus strand (G>C on the coding strand, the complement: NOTCH1 is on the minus strand). VCF-style: chr9-136497275-C-G. GRCh37 (hg19) VCF-style: chr9-139391727-C-G.
Other names: short protein forms G2155A.
Identifiers: ClinVar variation 3921062 (VCV003921062.1).